The following is an entry in ClinVar:

ClinVar aggregate classification (germline): Uncertain significance. Review status: criteria provided, multiple submitters, no conflicts (2 of 4 stars). 2 submissions from 2 submitters: Uncertain significance (2). Last evaluated 2026-03-15.

Conditions:
Hereditary cancer-predisposing syndrome. Also called: Hereditary neoplastic syndrome; Neoplastic Syndromes, Hereditary; Tumor predisposition; Hereditary Cancer Syndrome. Identifiers: Orphanet 140162, MedGen C0027672, MeSH D009386, MONDO:0015356.
Neuroblastoma, susceptibility to, 3. Also called: ALK-Related Neuroblastic Tumor Susceptibility. Identifiers: Orphanet 635, MedGen C2751681, MONDO:0013083, OMIM 613014.

Submissions (2):

Ambry Genetics
Classification: Uncertain significance for Hereditary cancer-predisposing syndrome. Last evaluated: 2026-03-15. Review status: criteria provided, single submitter. Criteria: Ambry Variant Classification Scheme 2023. Collection method: clinical testing. Allele origin: germline.
Comment: The p.S631N variant (also known as c.1892G>A), located in coding exon 10 of the ALK gene, results from a G to A substitution at nucleotide position 1892. The serine at codon 631 is replaced by asparagine, an amino acid with highly similar properties. This amino acid position is conserved. In addition, this alteration is predicted to be tolerated by in silico analysis. Based on the available evidence, the clinical significance of this variant remains unclear.

Labcorp Genetics (formerly Invitae), Labcorp
Classification: Uncertain significance for Neuroblastoma, susceptibility to, 3. Last evaluated: 2020-03-26. Review status: criteria provided, single submitter. Criteria: Invitae Variant Classification Sherloc (09022015). Collection method: clinical testing. Allele origin: germline.
Comment: This sequence change replaces serine with asparagine at codon 631 of the ALK protein (p.Ser631Asn). The serine residue is highly conserved and there is a small physicochemical difference between serine and asparagine. This variant is not present in population databases (ExAC no frequency). This variant has not been reported in the literature in individuals with ALK-related conditions. Algorithms developed to predict the effect of missense changes on protein structure and function (SIFT, PolyPhen-2, Align-GVGD) all suggest that this variant is likely to be disruptive, but these predictions have not been confirmed by published functional studies and their clinical significance is uncertain. In summary, the available evidence is currently insufficient to determine the role of this variant in disease. Therefore, it has been classified as a Variant of Uncertain Significance.

NM_004304.5(ALK):c.1892G>A (p.Ser631Asn)

Gene: ALK (ALK receptor tyrosine kinase; minus strand). Cytogenetic location: 2p23.2.
Variant type: single nucleotide variant.
Coding change: c.1892G>A on transcript NM_004304.5 (MANE Select); coding-DNA position 1892, G replaced by A.
Protein change: p.Ser631Asn; replaces serine 631 with asparagine.
Molecular consequence: missense variant.
Genome position (GRCh38, 1-based): chr2:29,275,422, C>T on the plus strand (G>A on the coding strand, the complement: ALK is on the minus strand). VCF-style: chr2-29275422-C-T. GRCh37 (hg19) VCF-style: chr2-29498288-C-T.
Other names: c.1892G>A (NM_004304.4); short protein forms S631N.
Identifiers: ClinVar variation 1057709 (VCV001057709.10), dbSNP rs1665515584, ClinGen allele CA346479896.